The following is an entry in ClinVar:

ClinVar aggregate classification (germline): Likely benign (1 of 4 stars; one submission).

Allele frequency attached by ClinVar (database versions not stated): gnomAD exomes 0.00001; ExAC 0.00003; TOPMed 0.00005; gnomAD 0.00007.
gnomAD v4.1: 18 of 1,613,102 alleles (0.0011%); highest among the groups gnomAD compares: African/African-American, 0.017%; 1 homozygote.

Submission:

GeneDx
Classification: Likely benign. Last evaluated: 2023-02-22. Review status: criteria provided, single submitter. Criteria: GeneDx Variant Classification Process June 2021. Collection method: clinical testing. Allele origin: germline. Affected: yes.
Comment: See Variant Classification Assertion Criteria.

NM_003482.4(KMT2D):c.12974C>T (p.Ser4325Phe)

Gene: KMT2D (lysine methyltransferase 2D; minus strand). Cytogenetic location: 12q13.12.
Variant type: single nucleotide variant.
Coding change: c.12974C>T on transcript NM_003482.4 (MANE Select); coding-DNA position 12974, C replaced by T.
Protein change: p.Ser4325Phe; replaces serine 4325 with phenylalanine.
Molecular consequence: missense variant.
Genome position (GRCh38, 1-based): chr12:49,031,731, G>A on the plus strand (C>T on the coding strand, the complement: KMT2D is on the minus strand). VCF-style: chr12-49031731-G-A. GRCh37 (hg19) VCF-style: chr12-49425514-G-A.
Other names: short protein forms S4325F.
Identifiers: ClinVar variation 1810030 (VCV001810030.3), dbSNP rs755470223, ClinGen allele CA6546094.
Genomic context (GRCh38, chr12:49,031,731, plus strand): 5'-TTGGGGGTCCCTGGATGGGTGGGAGGGAGCTGGGCCTCAGTGGGAAGCTGGGAGCTGGGG[G>A]AAGGTAATTGTGAAGGTCTCTTTGGCTCTTGAGGGCTGGATGGTGGAGGTGTGGGATGGA-3'
Protein context (NP_003473.3, residues 4315-4335): QEPKRPSQLP[Ser4325Phe]PSSQLPTEAQ